The following is an entry in ClinVar:

NM_003098.3(SNTA1):c.311-6G>C

Gene: SNTA1 (syntrophin alpha 1; minus strand). Cytogenetic location: 20q11.21.
Variant type: single nucleotide variant.
Coding change: c.311-6G>C on transcript NM_003098.3 (MANE Select); 6 bases into the intron before coding-DNA position 311, G replaced by C.
Molecular consequence: intron variant.
Genome position (GRCh38, 1-based): chr20:33,439,032, C>G on the plus strand (G>C on the coding strand, the complement: SNTA1 is on the minus strand). VCF-style: chr20-33439032-C-G. GRCh37 (hg19) VCF-style: chr20-32026838-C-G.
Identifiers: ClinVar variation 36777 (VCV000036777.15), dbSNP rs139532210, ClinGen allele CA214254.

ClinVar aggregate classification (germline): Benign. Review status: criteria provided, multiple submitters, no conflicts (2 of 4 stars). 4 submissions from 4 submitters: Benign (3). 1 of the submissions does not count toward it. Last evaluated 2026-01-27.

Conditions:
Long QT syndrome (LQTS). Identifiers: MedGen C0023976, MeSH D008133, MONDO:0002442. Disease mechanism: loss of function. Inheritance: Various modes of inheritance.
SNTA1-related disorder. Also called: SNTA1-related condition.

Allele frequency attached by ClinVar (database versions not stated): 1000 Genomes Project 30x 0.00156; 1000 Genomes Project 0.00200; gnomAD 0.00201; ESP Exome Variant Server 0.00246; TOPMed 0.00253.
gnomAD v4.1: 621 of 1,613,802 alleles (0.038%); highest among the groups gnomAD compares: African/African-American, 0.77%; 4 homozygotes.

Submissions (4):

Labcorp Genetics (formerly Invitae), Labcorp
Classification: Benign for Long QT syndrome. Last evaluated: 2026-01-27. Review status: criteria provided, single submitter. Criteria: Invitae Variant Classification Sherloc (09022015). Collection method: clinical testing. Allele origin: germline.

Women's Health and Genetics/Laboratory Corporation of America, LabCorp
Classification: Benign. Last evaluated: 2020-12-14. Review status: criteria provided, single submitter. Criteria: LabCorp Variant Classification Summary - May 2015. Collection method: clinical testing. Allele origin: germline.
Comment: Variant summary: SNTA1 c.311-6G>C alters a conserved nucleotide located close to a canonical splice site and therefore could affect mRNA splicing, leading to a significantly altered protein sequence. 4/4 computational tools predict no significant impact on normal splicing. However, these predictions have yet to be confirmed by functional studies. The variant allele was found at a frequency of 0.0005 in 251404 control chromosomes, predominantly at a frequency of 0.0074 within the African or African-American subpopulation in the gnomAD database. The observed variant frequency within African or African-American control individuals in the gnomAD database is approximately 740 fold of the estimated maximal expected allele frequency for a pathogenic variant in SNTA1 causing Arrhythmia phenotype (1e-05), strongly suggesting that the variant is a benign polymorphism found primarily in populations of African or African-American origin. To our knowledge, no occurrence of c.311-6G>C in individuals affected with Arrhythmia and no experimental evidence demonstrating its impact on protein function have been reported. Two clinical diagnostic laboratories have submitted clinical-significance assessments for this variant to ClinVar after 2014 without evidence for independent evaluation. Both laboratories classified the variant as benign. Based on the evidence outlined above, the variant was classified as benign.

GeneDx
Classification: Benign. Last evaluated: 2015-08-17. Review status: criteria provided, single submitter. Criteria: GeneDx Variant Classification (06012015). Collection method: clinical testing. Allele origin: germline. Affected: yes.
Comment: This variant is considered likely benign or benign based on one or more of the following criteria: it is a conservative change, it occurs at a poorly conserved position in the protein, it is predicted to be benign by multiple in silico algorithms, and/or has population frequency not consistent with disease.

PreventionGenetics, part of Exact Sciences
Classification: Benign for SNTA1-related condition. Last evaluated: 2019-11-26. Review status: no assertion criteria provided. Collection method: clinical testing. Allele origin: germline. Not counted in ClinVar's aggregate classification.
Comment: This variant is classified as benign based on ACMG/AMP sequence variant interpretation guidelines (Richards et al. 2015 PMID: 25741868, with internal and published modifications).